The following is an entry in ClinVar:

NM_005051.3(QARS1):c.1139T>G (p.Met380Arg)

Gene: QARS1 (glutaminyl-tRNA synthetase 1; minus strand). Cytogenetic location: 3p21.31.
Variant type: single nucleotide variant.
Coding change: c.1139T>G on transcript NM_005051.3 (MANE Select); coding-DNA position 1139, T replaced by G.
Protein change: p.Met380Arg; replaces methionine 380 with arginine.
Molecular consequence: missense variant. On other transcripts: non-coding transcript variant (1).
Genome position (GRCh38, 1-based): chr3:49,100,215, A>C on the plus strand (T>G on the coding strand, the complement: QARS1 is on the minus strand). VCF-style: chr3-49100215-A-C. GRCh37 (hg19) VCF-style: chr3-49137648-A-C.
Other names: c.1106T>G, p.Met369Arg (NM_001272073.2); short protein forms M380R, M369R.
Identifiers: ClinVar variation 1043522 (VCV001043522.5), dbSNP rs2042451058, ClinGen allele CA352710195.
Genomic context (GRCh38, chr3:49,100,215, plus strand): 5'-CCCACCCAAACCCAGATGCTCCTCTAGGACCCCACCTCAAAGAGCAGCAGTGACTCCTCC[A>C]TGGGACGGTCTCTCCAGGGTGAAGGCAGAGTATTATGGCCTTTGAGCTCCTCTCCTCGCT-3'
Protein context (NP_005042.1, residues 370-390): TLPSPWRDRP[Met380Arg]EESLLLFEAM

ClinVar aggregate classification (germline): Uncertain significance (1 of 4 stars; one submission).

Conditions:
Diffuse cerebral and cerebellar atrophy - intractable seizures - progressive microcephaly syndrome. Also called: Microcephaly, progressive, with seizures and cerebral and cerebellar atrophy. Identifiers: Orphanet 404437, MedGen C4014239, MONDO:0014335, OMIM 615760.

Allele frequency attached by ClinVar (database versions not stated): gnomAD exomes below 0.00001.
gnomAD v4.1: 1 of 1,614,244 alleles (0.000062%); highest among the groups gnomAD compares: Non-Finnish European, 0.000085%; no homozygotes.

Submission:

Labcorp Genetics (formerly Invitae), Labcorp
Classification: Uncertain significance for Diffuse cerebral and cerebellar atrophy - intractable seizures - progressive microcephaly syndrome. Last evaluated: 2020-06-23. Review status: criteria provided, single submitter. Criteria: Invitae Variant Classification Sherloc (09022015). Collection method: clinical testing. Allele origin: germline.
Comment: In summary, the available evidence is currently insufficient to determine the role of this variant in disease. Therefore, it has been classified as a Variant of Uncertain Significance. Algorithms developed to predict the effect of missense changes on protein structure and function are either unavailable or do not agree on the potential impact of this missense change (SIFT: "Deleterious"; PolyPhen-2: "Benign"; Align-GVGD: "Class C0"). This variant has not been reported in the literature in individuals with QARS-related conditions. This variant is not present in population databases (ExAC no frequency). This sequence change replaces methionine with arginine at codon 380 of the QARS protein (p.Met380Arg). The methionine residue is weakly conserved and there is a moderate physicochemical difference between methionine and arginine.